The following is an entry in ClinVar:

ClinVar aggregate classification (germline): Uncertain significance (1 of 4 stars; one submission).

Conditions:
Familial juvenile hyperuricemic nephropathy type 1 (ADTKD1). Also called: Autosomal Dominant Tubulointerstitial Kidney Disease – UMOD; Glomerulocystic kidney disease with hyperuricemia and isosthenuria; Medullary cystic kidney disease 2; UMOD-Associated Kidney Disease; Uromodulin-associated kidney disease. Identifiers: Orphanet 209886, Orphanet 34149, Orphanet 88950, MedGen C4551496, MONDO:0008073, OMIM 162000.

Submission:

MVZ Medizinische Genetik Mainz
Classification: Uncertain significance for Familial juvenile hyperuricemic nephropathy type 1. Last evaluated: 2024-02-08. Review status: criteria provided, single submitter. Criteria: UK Practice Guidelines For Variant Classification V4 01 2020. Collection method: clinical testing. Allele origin: germline. Inheritance: Autosomal dominant inheritance. Affected: yes. Observed: 1 variant allele.
Comment: ACMG Criteria: PM2_SUP,PP3

NM_003361.4(UMOD):c.332A>G (p.Glu111Gly)

Gene: UMOD (uromodulin; minus strand). Cytogenetic location: 16p12.3.
Variant type: single nucleotide variant.
Coding change: c.332A>G on transcript NM_003361.4 (MANE Select); coding-DNA position 332, A replaced by G.
Protein change: p.Glu111Gly; replaces glutamic acid 111 with glycine.
Molecular consequence: missense variant. On other transcripts: non-coding transcript variant (1).
Genome position (GRCh38, 1-based): chr16:20,348,969, T>C on the plus strand (A>G on the coding strand, the complement: UMOD is on the minus strand). VCF-style: chr16-20348969-T-C. GRCh37 (hg19) VCF-style: chr16-20360291-T-C.
Other names: c.332A>G, p.Glu111Gly (NM_001008389.3, NM_001378232.1, NM_001378233.1 and 3 more transcripts); c.431A>G, p.Glu144Gly (NM_001278614.2); short protein forms E111G, E144G.
Identifiers: ClinVar variation 4526531 (VCV004526531.1).